The following is an entry in ClinVar:

ClinVar aggregate classification (germline): Pathogenic/Likely pathogenic. Review status: criteria provided, multiple submitters, no conflicts (2 of 4 stars). 16 submissions from 16 submitters: Pathogenic (10); Likely pathogenic (2). 4 of the submissions do not count toward it. Last evaluated 2025-11-04.

Conditions:
MPV17-related disorder. Also called: MPV17-related condition; MPV17-related disorders. Identifiers: MedGen CN239328.
Mitochondrial DNA depletion syndrome. Also called: mitochondrial DNA depletion. Identifiers: Orphanet 35698, MedGen C0342782, MONDO:0018158.
Mitochondrial DNA depletion syndrome, hepatocerebral form. Identifiers: Orphanet 254871, MedGen C3711385, MONDO:0100512.
Mitochondrial DNA depletion syndrome 15 (hepatocerebral type) (MTDPS15). Also called: Hepatocerebral Mitochondrial DNA Depletion Syndrome. Identifiers: MedGen C4310690, MONDO:0014943, OMIM 617156.
Charcot-Marie-Tooth disease, axonal, type 2EE. Also called: CHARCOT-MARIE-TOOTH NEUROPATHY, TYPE 2EE. Identifiers: MedGen C5193076, MONDO:0032728, OMIM 618400.
Mitochondrial DNA depletion syndrome 6 (hepatocerebral type). Also called: NAVAJO NEUROPATHY; Navajo neurohepatopathy; Mitochondrial DNA depletion syndrome type 6. Identifiers: Orphanet 255229, MedGen C1850406, MONDO:0009747, OMIM 256810.

Allele frequency attached by ClinVar (database versions not stated): gnomAD 0.00001 and 0.00002; ExAC 0.00002; gnomAD exomes 0.00002 and 0.00004; TOPMed 0.00002; ESP Exome Variant Server 0.00008.
gnomAD v4.1: 65 of 1,614,168 alleles (0.004%); highest among the groups gnomAD compares: Middle Eastern, 0.016%; no homozygotes.

Submissions (16):

3billion
Classification: Pathogenic for Charcot-Marie-Tooth disease, axonal, type 2EE. Last evaluated: 2025-11-04. Review status: criteria provided, single submitter. Criteria: ACMG Guidelines, 2015. Collection method: clinical testing. Allele origin: germline. Affected: yes.
Comment: The variant is observed at an extremely low frequency in the gnomAD v4.1.0 dataset (total allele frequency: 0.004%). Predicted Consequence/Location: Missense variant Functional studies provide moderate evidence of the variant having a damaging effect on the gene or gene product (PMID: 26437932). The same nucleotide change resulting in the same amino acid change has been previously reported as pathogenic/likely pathogenic with strong evidence (ClinVar ID: VCV000626263 /PMID: 26437932 /3billion dataset). A different missense change at the same codon (p.Arg41Trp) has been reported as pathogenic/likely pathogenic with strong evidence (ClinVar ID: VCV000214660 /PMID: 23714749). Therefore, this variant is classified as Pathogenic according to the recommendation of ACMG/AMP guideline.

Labcorp Genetics (formerly Invitae), Labcorp
Classification: Pathogenic. Last evaluated: 2025-09-25. Review status: criteria provided, single submitter. Criteria: Invitae Variant Classification Sherloc (09022015). Collection method: clinical testing. Allele origin: germline.
Comment: This sequence change replaces arginine, which is basic and polar, with glutamine, which is neutral and polar, at codon 41 of the MPV17 protein (p.Arg41Gln). This variant is present in population databases (rs140992482, gnomAD 0.004%). This missense change has been observed in individuals with axonal sensorimotor neuropathy (PMID: 26437932, 30298599). It has also been observed to segregate with disease in related individuals. ClinVar contains an entry for this variant (Variation ID: 626263). Invitae Evidence Modeling of protein sequence and biophysical properties (such as structural, functional, and spatial information, amino acid conservation, physicochemical variation, residue mobility, and thermodynamic stability) indicates that this missense variant is not expected to disrupt MPV17 protein function with a negative predictive value of 95%. Experimental studies have shown that this missense change affects MPV17 function (PMID: 26437932). This variant disrupts the p.Arg41 amino acid residue in MPV17. Other variant(s) that disrupt this residue have been determined to be pathogenic (PMID: 23714749, 28673863). This suggests that this residue is clinically significant, and that variants that disrupt this residue are likely to be disease-causing. For these reasons, this variant has been classified as Pathogenic.

GeneDx
Classification: Pathogenic. Last evaluated: 2025-09-23. Review status: criteria provided, single submitter. Criteria: GeneDx Variant Classification Process June 2021. Collection method: clinical testing. Allele origin: germline. Affected: yes.
Comment: Published functional studies demonstrate a damaging effect as R41Q significantly inhibited cellular proliferation as compared to wild type and induced mtDNA depletion (PMID: 26437932); Missense variants in this gene are a common cause of disease and they are underrepresented in the general population; Not observed at significant frequency in large population cohorts (gnomAD); This variant is associated with the following publications: (PMID: 33879512, 34758253, 26437932, 30298599, 31130284, 34624274, 34035203, 35586607, 27535533)

Natera, Inc.
Classification: Likely pathogenic for Mitochondrial DNA depletion syndrome, hepatocerebral form. Last evaluated: 2024-12-03. Review status: criteria provided, single submitter. Criteria: Natera Variant Classification Schema (03/2026). Collection method: clinical testing. Allele origin: germline.
Comment: The c.122G>A variant in MPV17 is a missense variant predicted to cause substitution of arginine to glutamine at amino acid 41. This variant is rare in the general population with a frequency below the threshold expected for the associated phenotype(s). This variant has been observed in one or more individuals affected with the associated recessive disease, as either homozygous or compound heterozygous with a second variant (PMID: 34624274, 30298599, 26437932). Additionally, this variant has been observed to segregate in affected family members (PMID: 34624274, 30298599). Functional studies show that this variant may disrupt protein function (PMID: 26437932). A different variant at the same position has been determined to be Pathogenic or Likely Pathogenic. Given the available evidence, this variant is classified as Likely Pathogenic.

Blueprint Genetics
Classification: Pathogenic for MPV17-related disorders. Last evaluated: 2024-07-10. Review status: criteria provided, single submitter. Criteria: ACMG Guidelines, 2015. Collection method: clinical testing. Allele origin: germline. Affected: yes. Observed: 5 variant alleles.

Laboratory of Medical Genetics, National & Kapodistrian University of Athens
Classification: Pathogenic for Charcot-Marie-Tooth disease, axonal, type 2EE. Last evaluated: 2024-05-28. Review status: criteria provided, single submitter. Criteria: ACMG Guidelines, 2015. Collection method: clinical testing. Allele origin: germline. Affected: yes.
Comment: PS3, PM2, PM5, PP2, PP5- The variant has been reported in ClinVar as Pathogenic by other laboratories (Variation ID: 626263). Low frequency in gnomAD population databases. Functional studies support pathogenic effect (PMID: 26437932)

Genomic Medicine Center of Excellence, King Faisal Specialist Hospital and Research Centre
Classification: Pathogenic for Mitochondrial DNA depletion syndrome 6 (hepatocerebral type). Last evaluated: 2024-03-17. Review status: criteria provided, single submitter. Criteria: ACMG Guidelines, 2015. Collection method: research. Allele origin: germline.

Baylor Genetics
Classification: Pathogenic for Charcot-Marie-Tooth disease, axonal, type 2EE. Last evaluated: 2024-03-16. Review status: criteria provided, single submitter. Criteria: ACMG Guidelines, 2015. Collection method: clinical testing. Allele origin: unknown.

Women's Health and Genetics/Laboratory Corporation of America, LabCorp
Classification: Pathogenic for Mitochondrial DNA depletion syndrome. Last evaluated: 2023-03-05. Review status: criteria provided, single submitter. Criteria: LabCorp Variant Classification Summary - May 2015. Collection method: clinical testing. Allele origin: germline.
Comment: Variant summary: MPV17 c.122G>A (p.Arg41Gln) results in a conservative amino acid change in the encoded protein sequence. Three of five in-silico tools predict a benign effect of the variant on protein function. The variant allele was found at a frequency of 2.4e-05 in 251486 control chromosomes. c.122G>A has been reported in the literature as a homozygous genotype in multiple individuals affected with features of MPV17 related axonal sensorimotor polyneuropathy without liver and brain involvement, which is neurophysiologically similar to axonal Charcot-Marie-Tooth disease (CMT) (example, PMID: 30298599, 26437932). These data indicate that the variant is very likely to be associated with disease. At least one publication reports experimental evidence evaluating an impact on protein function reporting significantly inhibited cell proliferation when compared to controls (example, PMID: 26437932). Six clinical diagnostic laboratories have submitted clinical-significance assessments for this variant to ClinVar after 2014 without evidence for independent evaluation. All laboratories classified the variant as pathogenic/likely pathogenic. Based on the evidence outlined above, the variant was classified as pathogenic.

Revvity Omics, Revvity
Classification: Pathogenic. Last evaluated: 2022-11-17. Review status: criteria provided, single submitter. Criteria: ACMG Guidelines, 2015. Collection method: clinical testing. Allele origin: germline.

CMT Laboratory, Bogazici University
Classification: Pathogenic for Charcot-Marie-Tooth disease, axonal, type 2EE. Last evaluated: 2020-12-01. Review status: criteria provided, single submitter. Criteria: ACMG Guidelines, 2015. Collection method: clinical testing. Allele origin: germline. Affected: yes. Observed: 1 variant allele.

SIB Swiss Institute of Bioinformatics
Classification: Likely pathogenic for Charcot-Marie-Tooth disease, axonal, type 2EE. Last evaluated: 2019-08-13. Review status: criteria provided, single submitter. Criteria: ACMG Guidelines, 2015. Collection method: curation. Allele origin: unknown.
Comment: This variant is interpreted as a Likely pathogenic for Charcot-Marie-Tooth disease, axonal, 2EE, autosomal recessive. The following ACMG Tag(s) were applied: PM2, PP1, PS3-supporting, PM3.

PreventionGenetics, part of Exact Sciences
Classification: Pathogenic for MPV17-related condition. Last evaluated: 2024-09-16. Review status: no assertion criteria provided. Collection method: clinical testing. Allele origin: germline. Not counted in ClinVar's aggregate classification.
Comment: The MPV17 c.122G>A variant is predicted to result in the amino acid substitution p.Arg41Gln. This variant has been reported in the homozygous and compound heterozygous states in individuals with axonal sensorimotor polyneuropathy or Charcot-Marie-Tooth disease (see, for example, Choi et al. 2015. PubMed ID: 26437932; Baumann et al. 2019. PubMed ID: 30298599; Table S3, French et al. 2022. PubMed ID: 35586607). In vitro experimental studies suggest this variant impacts protein function (Choi et al. 2015. PubMed ID: 26437932; Ababneh et al. 2021. PubMed ID: 34624274). This variant is reported in 0.0046% of alleles in individuals of European (non-Finnish) descent in gnomAD and has been consistently classified as pathogenic in ClinVar. This variant is interpreted as pathogenic.

OMIM
Classification: Pathogenic for CHARCOT-MARIE-TOOTH DISEASE, AXONAL, TYPE 2EE. Last evaluated: 2019-04-29. Review status: no assertion criteria provided. Collection method: literature only. Allele origin: germline. Not counted in ClinVar's aggregate classification.

GeneReviews
No classification provided. Condition: Mitochondrial DNA depletion syndrome 6 (hepatocerebral type). Review status: no classification provided. Collection method: literature only. Allele origin: germline. Not counted in ClinVar's aggregate classification.

Genomics England Pilot Project, Genomics England
Classification: Likely pathogenic for Charcot-Marie-Tooth disease, axonal, type 2EE. Review status: no assertion criteria provided. Criteria: ACGS Guidelines, 2016. Collection method: clinical testing. Allele origin: germline. Affected: yes. Not counted in ClinVar's aggregate classification.

Literature cited by the submitters: PubMed 26437932 (cited by 6 submitters); PubMed 23714749 (cited by 3billion and Labcorp Genetics (formerly Invitae), Labcorp); PubMed 30298599 (cited by 5 submitters); PubMed 28673863 (cited by Labcorp Genetics (formerly Invitae), Labcorp); PubMed 34624274 (cited by Natera, Inc.); PubMed 34476298 (cited by Women's Health and Genetics/Laboratory Corporation of America, LabCorp); PubMed 31673878 (cited by CMT Laboratory, Bogazici University); NCBI Bookshelf NBK92947 (cited by GeneReviews); PubMed 29282788 (cited by GeneReviews).

NM_002437.5(MPV17):c.122G>A (p.Arg41Gln)

Gene: MPV17 (mitochondrial inner membrane protein MPV17; minus strand). Cytogenetic location: 2p23.3.
Variant type: single nucleotide variant.
Coding change: c.122G>A on transcript NM_002437.5 (MANE Select); coding-DNA position 122, G replaced by A.
Protein change: p.Arg41Gln; replaces arginine 41 with glutamine.
Molecular consequence: missense variant.
Genome position (GRCh38, 1-based): chr2:27,313,058, C>T on the plus strand (G>A on the coding strand, the complement: MPV17 is on the minus strand). VCF-style: chr2-27313058-C-T. GRCh37 (hg19) VCF-style: chr2-27535925-C-T.
Other names: short protein forms R41Q.
Identifiers: ClinVar variation 626263 (VCV000626263.37), dbSNP rs140992482, ClinGen allele CA1575667.